The following is an entry in ClinVar:

ClinVar aggregate classification (germline): Uncertain significance. Review status: criteria provided, multiple submitters, no conflicts (2 of 4 stars). 2 submissions from 2 submitters: Uncertain significance (2). Last evaluated 2025-07-30.

Conditions:
POLD1-related polyposis and colorectal cancer syndrome (CRCS10). Also called: Colorectal cancer 10; COLORECTAL CANCER, SUSCEPTIBILITY TO, ON CHROMOSOME 19q; Colorectal cancer, susceptibility to, 10. Identifiers: Orphanet 220460, MedGen C2675481, MONDO:0012953, OMIM 612591.
Hereditary cancer-predisposing syndrome. Also called: Neoplastic Syndromes, Hereditary; Tumor predisposition; Hereditary Cancer Syndrome; Hereditary neoplastic syndrome. Identifiers: Orphanet 140162, MedGen C0027672, MeSH D009386, MONDO:0015356.

Allele frequency attached by ClinVar (database versions not stated): gnomAD exomes below 0.00001; TOPMed below 0.00001.
gnomAD v4.1: 1 of 1,609,808 alleles (0.000062%); highest among the groups gnomAD compares: Non-Finnish European, 0.000085%; no homozygotes.

Submissions (2):

Labcorp Genetics (formerly Invitae), Labcorp
Classification: Uncertain significance for POLD1-related polyposis and colorectal cancer syndrome. Last evaluated: 2025-07-30. Review status: criteria provided, single submitter. Criteria: Invitae Variant Classification Sherloc (09022015). Collection method: clinical testing. Allele origin: germline.
Comment: This sequence change replaces arginine, which is basic and polar, with histidine, which is basic and polar, at codon 833 of the POLD1 protein (p.Arg833His). This variant is not present in population databases (gnomAD no frequency). This variant has not been reported in the literature in individuals affected with POLD1-related conditions. ClinVar contains an entry for this variant (Variation ID: 1464610). Invitae Evidence Modeling of protein sequence and biophysical properties (such as structural, functional, and spatial information, amino acid conservation, physicochemical variation, residue mobility, and thermodynamic stability) indicates that this missense variant is expected to disrupt POLD1 protein function with a positive predictive value of 80%. In summary, the available evidence is currently insufficient to determine the role of this variant in disease. Therefore, it has been classified as a Variant of Uncertain Significance.

Ambry Genetics
Classification: Uncertain significance for Hereditary cancer-predisposing syndrome. Last evaluated: 2025-04-12. Review status: criteria provided, single submitter. Criteria: Ambry Variant Classification Scheme 2023. Collection method: clinical testing. Allele origin: germline.
Comment: The p.R833H variant (also known as c.2498G>A), located in coding exon 19 of the POLD1 gene, results from a G to A substitution at nucleotide position 2498. The arginine at codon 833 is replaced by histidine, an amino acid with highly similar properties. This amino acid position is conserved. In addition, this alteration is predicted to be deleterious by in silico analysis. Since supporting evidence is limited at this time, the clinical significance of this alteration remains unclear.

NM_002691.4(POLD1):c.2498G>A (p.Arg833His)

Gene: POLD1 (DNA polymerase delta 1, catalytic subunit; plus strand). Cytogenetic location: 19q13.33.
Variant type: single nucleotide variant.
Coding change: c.2498G>A on transcript NM_002691.4 (MANE Select); coding-DNA position 2498, G replaced by A.
Protein change: p.Arg833His; replaces arginine 833 with histidine.
Molecular consequence: missense variant. On other transcripts: non-coding transcript variant (1).
Genome position (GRCh38, 1-based): chr19:50,414,924, G>A. VCF-style: chr19-50414924-G-A. GRCh37 (hg19) VCF-style: chr19-50918181-G-A.
Other names: c.2498G>A (NM_002691.2); c.2498G>A, p.Arg833His (NM_001256849.1); c.2576G>A, p.Arg859His (NM_001308632.1); short protein forms R833H, R859H.
Identifiers: ClinVar variation 1464610 (VCV001464610.8), dbSNP rs1601241246, ClinGen allele CA406985126.